The following is an entry in ClinVar:

ClinVar aggregate classification (germline): Likely benign (1 of 4 stars; one submission).

Submission:

CeGaT Center for Human Genetics Tuebingen
Classification: Likely benign. Last evaluated: 2022-07-01. Review status: criteria provided, single submitter. Criteria: CeGaT Center For Human Genetics Tuebingen Variant Classification Criteria Version 2. Collection method: clinical testing. Allele origin: germline. Affected: yes. Observed: 2 variant alleles.
Comment: FBLL1: PM2:Supporting, BP4, BP7

NM_001355274.2(FBLL1):c.15G>A (p.Ala5=)

Gene: FBLL1 (fibrillarin like rRNA 2'-O-methyltransferase 1; plus strand). Cytogenetic location: 5q34.
Variant type: single nucleotide variant.
Coding change: c.15G>A on transcript NM_001355274.2 (MANE Select); coding-DNA position 15, G replaced by A.
Protein change: p.Ala5=; no amino-acid change (alanine 5 retained).
Molecular consequence: synonymous variant.
Genome position (GRCh38, 1-based): chr5:168,529,519, G>A. VCF-style: chr5-168529519-G-A. GRCh37 (hg19) VCF-style: chr5-167956524-G-A.
Identifiers: ClinVar variation 2656041 (VCV002656041.24), dbSNP rs2533417821, ClinGen allele CA447688659.